The following is an entry in ClinVar:

NM_007294.4(BRCA1):c.5331A>C (p.Thr1777=)

Gene: BRCA1 (BRCA1 DNA repair associated; minus strand). Cytogenetic location: 17q21.31.
Variant type: single nucleotide variant.
Coding change: c.5331A>C on transcript NM_007294.4 (MANE Select); coding-DNA position 5331, A replaced by C.
Protein change: p.Thr1777=; no amino-acid change (threonine 1777 retained).
Molecular consequence: synonymous variant. On other transcripts: intron variant (2).
Genome position (GRCh38, 1-based): chr17:43,051,064, T>G on the plus strand (A>C on the coding strand, the complement: BRCA1 is on the minus strand). VCF-style: chr17-43051064-T-G. GRCh37 (hg19) VCF-style: chr17-41203081-T-G.
Other names: c.1806A>C, p.Thr602= (NM_001408492.1, NM_001408493.1); c.1782A>C, p.Thr594= (NM_001408494.1); c.1776A>C, p.Thr592= (NM_001408495.1); c.1758A>C, p.Thr586= (NM_001408496.1, NM_001408497.1, NM_001408498.1 and 3 more transcripts); c.1755A>C, p.Thr585= (NM_001408502.1, NM_001408503.1, NM_001408504.1); c.1752A>C, p.Thr584= (NM_001408505.1); c.1695A>C, p.Thr565= (NM_001408506.1); c.1692A>C, p.Thr564= (NM_001408507.1); and 74 more.
Identifiers: ClinVar variation 867997 (VCV000867997.3), dbSNP rs1411246255, ClinGen allele CA500143578.
Genomic context (GRCh38, chr17:43,051,064, plus strand): 5'-ACTCCACTATGTAAGACAAAGGCTGGTGCTGGAACTCTGGGGTTCTCCCAGGCTCTTACC[T>G]GTGGGCATGTTGGTGAAGGGCCCATAGCAACAGATTTCTAGCCCCCTGAAGATCTGGAAG-3'
Protein context (NP_009225.1, residues 1767-1787): CCYGPFTNMP[Thr1777=]DQLEWMVQLC

Conditions:
Breast-ovarian cancer, familial, susceptibility to, 1 (BROVCA1). Also called: BRCA1 Hereditary Breast and Ovarian Cancer; OVARIAN CANCER, SUSCEPTIBILITY TO. Identifiers: Orphanet 145, MedGen C2676676, MONDO:0011450, OMIM 604370. Disease mechanism: loss of function.

gnomAD v4.1: 1 of 1,613,906 alleles (0.000062%); highest among the groups gnomAD compares: Non-Finnish European, 0.000085%; no homozygotes.

Submission:

Brotman Baty Institute, University of Washington
No classification provided (evidence only). Condition: Breast-ovarian cancer, familial 1. Review status: no classification provided. Collection method: in vitro. Allele origin: not applicable. Functional consequence: functionally_normal.
ClinVar note: "not provided" was previously submitted as the classification for the variant. However, the classification appeared to be based only on an observation of functional data so it was converted to no classification on 2025-07-30.